The following is an entry in ClinVar:

ClinVar aggregate classification (germline): Pathogenic (1 of 4 stars; one submission).

Submission:

Labcorp Genetics (formerly Invitae), Labcorp
Classification: Pathogenic. Last evaluated: 2022-06-13. Review status: criteria provided, single submitter. Criteria: Invitae Variant Classification Sherloc (09022015). Collection method: clinical testing. Allele origin: germline.
Comment: For these reasons, this variant has been classified as Pathogenic. This variant disrupts a region of the ERCC8 protein in which other variant(s) (p.Ala205Pro) have been determined to be pathogenic (PMID: 14661080, 32048102). This suggests that this is a clinically significant region of the protein, and that variants that disrupt it are likely to be disease-causing. This variant has not been reported in the literature in individuals affected with ERCC8-related conditions. This variant is a gross deletion of the genomic region encompassing exon(s) 5-10 of the ERCC8 gene. This variant would be expected to be in-frame, preserving the integrity of the reading frame.

Literature cited by the submitters: PubMed 14661080; PubMed 32048102.

NC_000005.9:g.(?_60186706)_(60200710_?)del

Gene: ERCC8 (ERCC excision repair 8, CSA ubiquitin ligase complex subunit; minus strand). Cytogenetic location: 5q12.1.
Variant type: Deletion.
Identifiers: ClinVar variation 1459214 (VCV001459214.5).